The following is an entry in ClinVar:

NM_001035.3(RYR2):c.14113T>G (p.Tyr4705Asp)

Gene: RYR2 (ryanodine receptor 2; plus strand). Cytogenetic location: 1q43.
Variant type: single nucleotide variant.
Coding change: c.14113T>G on transcript NM_001035.3 (MANE Select); coding-DNA position 14113, T replaced by G.
Protein change: p.Tyr4705Asp; replaces tyrosine 4705 with aspartic acid.
Molecular consequence: missense variant.
Genome position (GRCh38, 1-based): chr1:237,801,878, T>G. VCF-style: chr1-237801878-T-G. GRCh37 (hg19) VCF-style: chr1-237965178-T-G.
Other names: short protein forms Y4705D.
Identifiers: ClinVar variation 923406 (VCV000923406.5), dbSNP rs1660017859, ClinGen allele CA345421108.

ClinVar aggregate classification (germline): Uncertain significance (1 of 4 stars; one submission).

Conditions:
Cardiomyopathy (CMYO). Also called: Cardiomyopathies. Identifiers: Orphanet 167848, MedGen C0878544, MONDO:0004994, HP:0001638. Inheritance: Various modes of inheritance.

Submission:

Color Diagnostics, LLC DBA Color Health
Classification: Uncertain significance for Cardiomyopathy. Last evaluated: 2023-12-05. Review status: criteria provided, single submitter. Criteria: ACMG Guidelines, 2015. Collection method: clinical testing. Allele origin: germline.
Comment: Variant of Uncertain Significance due to insufficient evidence: This missense variant is located in the pore-forming region of the RYR2 protein. Computational prediction tools and conservation analyses suggest that this variant may have deleterious impact on the protein function. Computational splicing tools suggest that this variant may not impact RNA splicing. To our knowledge, functional assays have not been performed for this variant nor has this variant been reported in individuals affected with cardiovascular disorders in the literature. This variant is rare in the general population and has been identified in 0/277264 chromosomes by the Genome Aggregation Database (gnomAD). Available evidence is insufficient to determine the pathogenicity of this variant conclusively.